The following is an entry in ClinVar:

NM_018896.5(CACNA1G):c.1243C>T (p.Arg415Trp)

Gene: CACNA1G (calcium voltage-gated channel subunit alpha1 G; plus strand). Cytogenetic location: 17q21.33.
Variant type: single nucleotide variant.
Coding change: c.1243C>T on transcript NM_018896.5 (MANE Select); coding-DNA position 1243, C replaced by T.
Protein change: p.Arg415Trp; replaces arginine 415 with tryptophan.
Molecular consequence: missense variant. On other transcripts: non-coding transcript variant (5).
Genome position (GRCh38, 1-based): chr17:50,575,645, C>T. VCF-style: chr17-50575645-C-T. GRCh37 (hg19) VCF-style: chr17-48653006-C-T.
Other names: c.1243C>T, p.Arg415Trp (NM_001256324.2, NM_001256325.2, NM_001256326.2 and 24 more transcripts); short protein forms R415W.
Identifiers: ClinVar variation 1806558 (VCV001806558.2), dbSNP rs375495099, ClinGen allele CA8652137.

ClinVar aggregate classification (germline): Uncertain significance (1 of 4 stars; one submission).

Allele frequency attached by ClinVar (database versions not stated): TOPMed below 0.00001; ExAC 0.00001; gnomAD 0.00001; gnomAD exomes 0.00001; ESP Exome Variant Server 0.00008.

Submission:

GeneDx
Classification: Uncertain significance. Last evaluated: 2023-11-21. Review status: criteria provided, single submitter. Criteria: GeneDx Variant Classification Process June 2021. Collection method: clinical testing. Allele origin: germline. Affected: yes.
Comment: Not observed at significant frequency in large population cohorts (gnomAD); In silico analysis supports that this missense variant has a deleterious effect on protein structure/function; Has not been previously published as pathogenic or benign to our knowledge